The following is an entry in ClinVar:

NM_173660.5(DOK7):c.101-26G>C

Gene: DOK7 (docking protein 7; plus strand). Cytogenetic location: 4p16.3.
Variant type: single nucleotide variant.
Coding change: c.101-26G>C on transcript NM_173660.5 (MANE Select); 26 bases into the intron before coding-DNA position 101, G replaced by C.
Molecular consequence: intron variant.
Genome position (GRCh38, 1-based): chr4:3,473,380, G>C. VCF-style: chr4-3473380-G-C. GRCh37 (hg19) VCF-style: chr4-3475107-G-C.
Other names: c.101-26G>C (NM_001301071.2, NM_001164673.2); c.100+9829G>C (NM_001363811.2).
Identifiers: ClinVar variation 262865 (VCV000262865.3), dbSNP rs2344208, ClinGen allele CA2828871.

ClinVar aggregate classification (germline): Benign. Review status: criteria provided, multiple submitters, no conflicts (2 of 4 stars). 3 submissions from 3 submitters: Benign (3). Last evaluated 2018-06-19.

Allele frequency attached by ClinVar (database versions not stated): 1000 Genomes Project 0.27037; 1000 Genomes Project 30x 0.27405.
gnomAD v4.1: 265,495 of 1,607,178 alleles (17%); highest among the groups gnomAD compares: African/African-American, 42%; 26,272 homozygotes.

Submissions (3):

GeneDx
Classification: Benign. Last evaluated: 2018-06-19. Review status: criteria provided, single submitter. Criteria: GeneDx Variant Classification (06012015). Collection method: clinical testing. Allele origin: germline. Affected: yes.
Comment: This variant is considered likely benign or benign based on one or more of the following criteria: it is a conservative change, it occurs at a poorly conserved position in the protein, it is predicted to be benign by multiple in silico algorithms, and/or has population frequency not consistent with disease.

Breakthrough Genomics
Classification: Benign. Review status: criteria provided, single submitter. Criteria: ACMG Guidelines, 2015. Collection method: not provided. Allele origin: germline. Inheritance: Autosomal recessive inheritance. Affected: yes.

PreventionGenetics, part of Exact Sciences
Classification: Benign. Review status: criteria provided, single submitter. Criteria: ACMG Guidelines, 2015. Collection method: clinical testing. Allele origin: germline.